The following is an entry in ClinVar:

ClinVar aggregate classification (germline): Likely benign. Review status: criteria provided, multiple submitters, no conflicts (2 of 4 stars). 2 submissions from 2 submitters: Likely benign (2). Last evaluated 2026-05-12.

Conditions:
Neurofibromatosis, type 1 (NF1). Also called: VON RECKLINGHAUSEN DISEASE; Neurofibromatosis, type I; NEUROFIBROMATOSIS, TYPE I, SOMATIC; Peripheral type neurofibromatosis. Identifiers: Orphanet 636, MedGen C0027831, MONDO:0018975, OMIM 162200. Disease mechanism: loss of function.

Allele frequency attached by ClinVar (database versions not stated): ExAC 0.00003; gnomAD exomes below 0.00001 and 0.00002; TOPMed 0.00001; 1000 Genomes Project 0.00020; gnomAD 0.00001; 1000 Genomes Project 30x 0.00016.
gnomAD v4.1: 7 of 1,560,648 alleles (0.00045%); highest among the groups gnomAD compares: East Asian, 0.014%; no homozygotes.

Submissions (2):

Myriad Genetics, Inc.
Classification: Likely benign for Neurofibromatosis, type 1. Last evaluated: 2026-05-12. Review status: criteria provided, single submitter. Criteria: Myriad Autosomal Dominant, Autosomal Recessive and X-Linked Classification Criteria (2023). Collection method: clinical testing. Allele origin: unknown.
Comment: This variant is considered likely benign. This variant is intronic and is not expected to impact mRNA splicing.

Labcorp Genetics (formerly Invitae), Labcorp
Classification: Likely benign for Neurofibromatosis, type 1. Last evaluated: 2026-01-19. Review status: criteria provided, single submitter. Criteria: Invitae Variant Classification Sherloc (09022015). Collection method: clinical testing. Allele origin: germline.

NM_001042492.3(NF1):c.3114-16C>T

Gene: NF1 (neurofibromin 1; plus strand). Cytogenetic location: 17q11.2.
Variant type: single nucleotide variant.
Coding change: c.3114-16C>T on transcript NM_001042492.3 (MANE Select); 16 bases into the intron before coding-DNA position 3114, C replaced by T.
Molecular consequence: intron variant.
Genome position (GRCh38, 1-based): chr17:31,230,826, C>T. VCF-style: chr17-31230826-C-T. GRCh37 (hg19) VCF-style: chr17-29557844-C-T.
Other names: c.3114-16C>T (NM_000267.4).
Identifiers: ClinVar variation 1593097 (VCV001593097.10), dbSNP rs555538591, ClinGen allele CA8486092.